The following is an entry in ClinVar:

NM_000784.4(CYP27A1):c.1415G>A (p.Gly472Glu)

Gene: CYP27A1 (cytochrome P450 family 27 subfamily A member 1; plus strand). Cytogenetic location: 2q35.
Variant type: single nucleotide variant.
Coding change: c.1415G>A on transcript NM_000784.4 (MANE Select); coding-DNA position 1415, G replaced by A.
Protein change: p.Gly472Glu; replaces glycine 472 with glutamic acid.
Molecular consequence: missense variant.
Genome position (GRCh38, 1-based): chr2:218,814,696, G>A. VCF-style: chr2-218814696-G-A. GRCh37 (hg19) VCF-style: chr2-219679419-G-A.
Other names: short protein forms G472E.
Identifiers: ClinVar variation 1347936 (VCV001347936.8), dbSNP rs200883871, ClinGen allele CA350595068.
Genomic context (GRCh38, chr2:218,814,696, plus strand): 5'-ACAGCCAGCCTGCTACCCCCAGGATCCAGCACCCATTTGGCTCTGTGCCCTTTGGCTATG[G>A]GGTCCGGGCCTGCCTGGGCCGCAGGATTGCAGAGCTGGAGATGCAGCTACTCCTCGCAAG-3'
Protein context (NP_000775.1, residues 462-482): HPFGSVPFGY[Gly472Glu]VRACLGRRIA

ClinVar aggregate classification (germline): Uncertain significance (1 of 4 stars; one submission).

Conditions:
Cholestanol storage disease (CTX). Also called: Cerebrotendinous Xanthomatosis; CTX: Cerebrotendinous xanthomatosis; CEREBRAL CHOLESTERINOSIS. Identifiers: Orphanet 909, MedGen C0238052, MONDO:0008948, OMIM 213700.

Submission:

Labcorp Genetics (formerly Invitae), Labcorp
Classification: Uncertain significance for Cholestanol storage disease. Last evaluated: 2021-01-27. Review status: criteria provided, single submitter. Criteria: Invitae Variant Classification Sherloc (09022015). Collection method: clinical testing. Allele origin: germline.
Comment: In summary, the available evidence is currently insufficient to determine the role of this variant in disease. Therefore, it has been classified as a Variant of Uncertain Significance. Advanced modeling of protein sequence and biophysical properties (such as structural, functional, and spatial information, amino acid conservation, physicochemical variation, residue mobility, and thermodynamic stability) performed at Invitae indicates that this missense variant is expected to disrupt CYP27A1 protein function. This variant has not been reported in the literature in individuals with CYP27A1-related conditions. This variant is not present in population databases (ExAC no frequency). This sequence change replaces glycine with glutamic acid at codon 472 of the CYP27A1 protein (p.Gly472Glu). The glycine residue is highly conserved and there is a moderate physicochemical difference between glycine and glutamic acid.